The following is an entry in ClinVar:

NM_032578.4(MYPN):c.3247G>T (p.Val1083Leu)

Gene: MYPN (myopalladin; plus strand). Cytogenetic location: 10q21.3.
Variant type: single nucleotide variant.
Coding change: c.3247G>T on transcript NM_032578.4 (MANE Select); coding-DNA position 3247, G replaced by T.
Protein change: p.Val1083Leu; replaces valine 1083 with leucine.
Molecular consequence: missense variant. On other transcripts: non-coding transcript variant (2).
Genome position (GRCh38, 1-based): chr10:68,197,440, G>T. VCF-style: chr10-68197440-G-T. GRCh37 (hg19) VCF-style: chr10-69957197-G-T.
Other names: c.3247G>T, p.Val1083Leu (NM_001256267.2); c.2365G>T, p.Val789Leu (NM_001256268.2); c.3247G>T (NM_032578.2); short protein forms V1083L, V789L.
Identifiers: ClinVar variation 3356122 (VCV003356122.3).

ClinVar aggregate classification (germline): Conflicting classifications of pathogenicity. Review status: criteria provided, conflicting classifications (1 of 4 stars). 2 submissions from 2 submitters: Uncertain significance (1); Likely benign (1). Last evaluated 2025-08-12.

Conditions:
Cardiovascular phenotype. Identifiers: MedGen CN230736.
MYPN-related disorder. Also called: MYPN-related condition.

gnomAD v4.1: 11 of 1,614,020 alleles (0.00068%); highest among the groups gnomAD compares: Non-Finnish European, 0.00085%; no homozygotes.

Submissions (2):

Ambry Genetics
Classification: Likely benign for Cardiovascular phenotype. Last evaluated: 2025-08-12. Review status: criteria provided, single submitter. Criteria: Ambry Variant Classification Scheme 2023. Collection method: clinical testing. Allele origin: germline.

PreventionGenetics, part of Exact Sciences
Classification: Uncertain significance for MYPN-related condition. Last evaluated: 2025-01-07. Review status: criteria provided, single submitter. Criteria: ACMG Guidelines, 2015. Collection method: clinical testing. Allele origin: germline.
Comment: The MYPN c.3247G>T variant is predicted to result in the amino acid substitution p.Val1083Leu. To our knowledge, this variant has not been reported in the literature. This variant is reported in 0.00088% of alleles in individuals of European (non-Finnish) descent in gnomAD. At this time, the clinical significance of this variant is uncertain due to the absence of conclusive functional and genetic evidence.